The following is an entry in ClinVar:

ClinVar aggregate classification (germline): Uncertain significance (1 of 4 stars; one submission).

Conditions:
Aortic aneurysm, familial thoracic 7 (AAT7). Also called: AORTIC DISSECTION, FAMILIAL, WITH OR WITHOUT AORTIC ANEURYSM. Identifiers: MedGen C3151077, MONDO:0013418, OMIM 613780.

Submission:

Labcorp Genetics (formerly Invitae), Labcorp
Classification: Uncertain significance for Aortic aneurysm, familial thoracic 7. Last evaluated: 2023-03-26. Review status: criteria provided, single submitter. Criteria: Invitae Variant Classification Sherloc (09022015). Collection method: clinical testing. Allele origin: germline.
Comment: This variant is not present in population databases (gnomAD no frequency). This variant has not been reported in the literature in individuals affected with MYLK-related conditions. Advanced modeling of protein sequence and biophysical properties (such as structural, functional, and spatial information, amino acid conservation, physicochemical variation, residue mobility, and thermodynamic stability) performed at Invitae indicates that this missense variant is not expected to disrupt MYLK protein function. In summary, the available evidence is currently insufficient to determine the role of this variant in disease. Therefore, it has been classified as a Variant of Uncertain Significance. This sequence change replaces lysine, which is basic and polar, with methionine, which is neutral and non-polar, at codon 162 of the MYLK protein (p.Lys162Met).

NM_053025.4(MYLK):c.485A>T (p.Lys162Met)

Gene: MYLK (myosin light chain kinase; minus strand). Cytogenetic location: 3q21.1.
Variant type: single nucleotide variant.
Coding change: c.485A>T on transcript NM_053025.4 (MANE Select); coding-DNA position 485, A replaced by T.
Protein change: p.Lys162Met; replaces lysine 162 with methionine.
Molecular consequence: missense variant. On other transcripts: 5 prime UTR variant (1).
Genome position (GRCh38, 1-based): chr3:123,739,000, T>A on the plus strand (A>T on the coding strand, the complement: MYLK is on the minus strand). VCF-style: chr3-123739000-T-A. GRCh37 (hg19) VCF-style: chr3-123457847-T-A.
Other names: c.-44A>T (NM_001321309.2); c.485A>T, p.Lys162Met (NM_053026.4, NM_053027.4, NM_053028.4); short protein forms K162M.
Identifiers: ClinVar variation 2849528 (VCV002849528.3), dbSNP rs2474624258, ClinGen allele CA354241950.